The following is an entry in ClinVar:

NM_000059.4(BRCA2):c.9270del (p.Phe3090fs)

Gene: BRCA2 (BRCA2 DNA repair associated; plus strand). Cytogenetic location: 13q13.1.
Variant type: Deletion.
Coding change: c.9270del on transcript NM_000059.4 (MANE Select); coding-DNA position 9270, one base deleted (C; older notation c.9270delC).
Protein change: p.Phe3090fs; shifts the reading frame from phenylalanine 3090.
Molecular consequence: frameshift variant.
Genome position (GRCh38, 1-based): chr13:32,394,702, C deleted. VCF-style (leftmost placement, unchanged base first): chr13-32394701-TC-T. GRCh37 (hg19) VCF-style: chr13-32968838-TC-T.
Other names: c.9270delC (NM_000059.3); short protein forms F3090fs.
Identifiers: ClinVar variation 236929 (VCV000236929.10), dbSNP rs878853619, ClinGen allele CA10583152.

ClinVar aggregate classification (germline): Pathogenic. Review status: reviewed by expert panel (3 of 4 stars). 4 submissions from 4 submitters: Pathogenic (1). 3 of the submissions do not count toward it. Last evaluated 2017-12-15.

Conditions:
Hereditary breast ovarian cancer syndrome. Also called: Breast and ovarian cancer; BRCA1- and BRCA2-Associated Hereditary Breast and Ovarian Cancer; Hereditary breast and ovarian cancer syndrome; Hereditary breast and ovarian cancer syndrome (HBOC); Hereditary breast and/or ovarian cancer syndrome; Hereditary breast and ovarian cancer. Identifiers: Orphanet 145, MedGen C0677776, MeSH D061325, MONDO:0003582. Disease mechanism: loss of function.
Breast-ovarian cancer, familial, susceptibility to, 2 (BROVCA2). Also called: BRCA2 Hereditary Breast and Ovarian Cancer. Identifiers: Orphanet 145, MedGen C2675520, MONDO:0012933, OMIM 612555. Disease mechanism: loss of function.
BRCA2-related disorder. Also called: BRCA2-related condition; BRCA2-related disorders. Identifiers: MedGen CN239275.
Hereditary cancer-predisposing syndrome. Also called: Neoplastic Syndromes, Hereditary; Hereditary Cancer Syndrome; Tumor predisposition; Hereditary neoplastic syndrome. Identifiers: Orphanet 140162, MedGen C0027672, MeSH D009386, MONDO:0015356.

Submissions (4):

Evidence-based Network for the Interpretation of Germline Mutant Alleles (ENIGMA)
Classification: Pathogenic for Breast-ovarian cancer, familial, susceptibility to, 2. Last evaluated: 2017-12-15. Review status: reviewed by expert panel. Criteria: ENIGMA BRCA1/2 Classification Criteria (2017-06-29). Collection method: curation. Allele origin: germline. Study: ENIGMA.
Comment: Variant allele predicted to encode a truncated non-functional protein.

Labcorp Genetics (formerly Invitae), Labcorp
Classification: Pathogenic for Hereditary breast ovarian cancer syndrome. Last evaluated: 2025-07-30. Review status: criteria provided, single submitter. Criteria: Invitae Variant Classification Sherloc (09022015). Collection method: clinical testing. Allele origin: germline. Not counted in ClinVar's aggregate classification.
Comment: This sequence change creates a premature translational stop signal (p.Phe3090Leufs*14) in the BRCA2 gene. It is expected to result in an absent or disrupted protein product. Loss-of-function variants in BRCA2 are known to be pathogenic (PMID: 20104584). This variant is not present in population databases (gnomAD no frequency). This variant has not been reported in the literature in individuals affected with BRCA2-related conditions. ClinVar contains an entry for this variant (Variation ID: 236929). For these reasons, this variant has been classified as Pathogenic.

Blueprint Genetics
Classification: Likely pathogenic for BRCA2-related disorders. Last evaluated: 2024-01-17. Review status: criteria provided, single submitter. Criteria: ACMG Guidelines, 2015. Collection method: clinical testing. Allele origin: germline. Affected: yes. Observed: 2 variant alleles. Not counted in ClinVar's aggregate classification.

Color Diagnostics, LLC DBA Color Health
Classification: Pathogenic for Hereditary cancer-predisposing syndrome. Last evaluated: 2022-01-20. Review status: criteria provided, single submitter. Criteria: ACMG Guidelines, 2015. Collection method: clinical testing. Allele origin: germline. Not counted in ClinVar's aggregate classification.
Comment: This variant deletes 1 nucleotide in exon 25 of the BRCA2 gene, creating a frameshift and premature translation stop signal. This variant is expected to result in an absent or non-functional protein product. To our knowledge, this variant has not been reported in individuals affected with hereditary cancer in the literature. This variant has not been identified in the general population by the Genome Aggregation Database (gnomAD). Loss of BRCA2 function is a known mechanism of disease. Based on the available evidence, this variant is classified as Pathogenic.

Literature cited by the submitters: PubMed 20104584 (cited by Labcorp Genetics (formerly Invitae), Labcorp).